The following is an entry in ClinVar:

NM_000639.3(FASLG):c.692G>A (p.Ser231Asn)

Gene: FASLG (Fas ligand; plus strand). Cytogenetic location: 1q24.3.
Variant type: single nucleotide variant.
Coding change: c.692G>A on transcript NM_000639.3 (MANE Select); coding-DNA position 692, G replaced by A.
Protein change: p.Ser231Asn; replaces serine 231 with asparagine.
Molecular consequence: missense variant. On other transcripts: 3 prime UTR variant (1).
Genome position (GRCh38, 1-based): chr1:172,665,862, G>A. VCF-style: chr1-172665862-G-A. GRCh37 (hg19) VCF-style: chr1-172635002-G-A.
Other names: c.692G>A (NM_000639.2); c.*262G>A (NM_001302746.2); short protein forms S231N.
Identifiers: ClinVar variation 1401371 (VCV001401371.10), dbSNP rs758377456, ClinGen allele CA1247602.

ClinVar aggregate classification (germline): Conflicting classifications of pathogenicity. Review status: criteria provided, conflicting classifications (1 of 4 stars). 3 submissions from 3 submitters: Uncertain significance (2); Likely benign (1). Last evaluated 2026-03-28.

Conditions:
FASLG-related disorder. Also called: FASLG-related condition.
Autoimmune lymphoproliferative syndrome type 1. Also called: AUTOIMMUNE LYMPHOPROLIFERATIVE SYNDROME, TYPE I, AUTOSOMAL DOMINANT. Identifiers: Orphanet 3261, MedGen C2717884, MONDO:0011158, OMIM 601859.

Allele frequency attached by ClinVar (database versions not stated): gnomAD exomes below 0.00001 and 0.00001; ExAC 0.00001; gnomAD 0.00001.

Submissions (3):

PreventionGenetics, part of Exact Sciences
Classification: Uncertain significance for FASLG-related condition. Last evaluated: 2026-03-28. Review status: criteria provided, single submitter. Criteria: ACMG Guidelines, 2015. Collection method: clinical testing. Allele origin: germline.
Comment: The FASLG c.692G>A variant is predicted to result in the amino acid substitution p.Ser231Asn. To our knowledge, this variant has not been reported in the literature. This variant is reported in 0.0054% of alleles in individuals of East Asian descent in gnomAD. At this time, the clinical significance of this variant is uncertain due to the absence of conclusive functional and genetic evidence.

Labcorp Genetics (formerly Invitae), Labcorp
Classification: Uncertain significance for Autoimmune lymphoproliferative syndrome. Last evaluated: 2024-11-27. Review status: criteria provided, single submitter. Criteria: Invitae Variant Classification Sherloc (09022015). Collection method: clinical testing. Allele origin: germline.
Comment: This sequence change replaces serine, which is neutral and polar, with asparagine, which is neutral and polar, at codon 231 of the FASLG protein (p.Ser231Asn). This variant is present in population databases (rs758377456, gnomAD 0.006%). This variant has not been reported in the literature in individuals affected with FASLG-related conditions. ClinVar contains an entry for this variant (Variation ID: 1401371). Invitae Evidence Modeling of protein sequence and biophysical properties (such as structural, functional, and spatial information, amino acid conservation, physicochemical variation, residue mobility, and thermodynamic stability) indicates that this missense variant is not expected to disrupt FASLG protein function with a negative predictive value of 80%. In summary, the available evidence is currently insufficient to determine the role of this variant in disease. Therefore, it has been classified as a Variant of Uncertain Significance.

Blueprint Genetics
Classification: Likely benign. Last evaluated: 2022-06-14. Review status: criteria provided, single submitter. Criteria: ACMG Guidelines, 2015. Collection method: clinical testing. Allele origin: germline.